The following is an entry in ClinVar:

NC_000023.10:g.(?_128674417)_(128696783_?)del

Gene: OCRL (OCRL inositol polyphosphate-5-phosphatase; plus strand). Cytogenetic location: Xq25.
Variant type: Deletion.
Identifiers: ClinVar variation 2422782 (VCV002422782.4).

ClinVar aggregate classification (germline): Pathogenic (1 of 4 stars; one submission).

Conditions:
Lowe syndrome (OCRL). Also called: LOWE OCULOCEREBRORENAL SYNDROME; PHOSPHATIDYLINOSITOL 4,5-BISPHOSPHATE 5-PHOSPHATASE DEFICIENCY; Oculocerebrorenal Syndrome. Identifiers: Orphanet 534, MedGen C0028860, MONDO:0010645, OMIM 309000.

Submission:

Labcorp Genetics (formerly Invitae), Labcorp
Classification: Pathogenic for Lowe syndrome. Last evaluated: 2021-10-24. Review status: criteria provided, single submitter. Criteria: Invitae Variant Classification Sherloc (09022015). Collection method: clinical testing. Allele origin: germline.
Comment: This variant is a gross deletion of the genomic region encompassing exon(s) 1-12 of the OCRL gene, which includes the initiator codon. This deletion extends beyond the assayed region for this gene and therefore may encompass additional genes. It is expected to result in an absent or disrupted protein product. Loss-of-function variants in OCRL are known to be pathogenic (PMID: 19390221, 21031565, 22381590). For these reasons, this variant has been classified as Pathogenic. This variant has not been reported in the literature in individuals affected with OCRL-related conditions.

Literature cited by the submitters: PubMed 19390221; PubMed 21031565; PubMed 22381590.